The following is an entry in ClinVar:

NM_002972.4(SBF1):c.1439C>T (p.Pro480Leu)

Gene: SBF1 (SET binding factor 1; minus strand). Cytogenetic location: 22q13.33.
Variant type: single nucleotide variant.
Coding change: c.1439C>T on transcript NM_002972.4 (MANE Select); coding-DNA position 1439, C replaced by T.
Protein change: p.Pro480Leu; replaces proline 480 with leucine.
Molecular consequence: missense variant.
Genome position (GRCh38, 1-based): chr22:50,464,731, G>A on the plus strand (C>T on the coding strand, the complement: SBF1 is on the minus strand). VCF-style: chr22-50464731-G-A. GRCh37 (hg19) VCF-style: chr22-50903160-G-A.
Other names: c.1442C>T, p.Pro481Leu (NM_001365819.1, NM_001410794.1); c.1439C>T, p.Pro480Leu (NM_001410795.1, NM_197971.1); short protein forms P480L, P481L.
Identifiers: ClinVar variation 1990187 (VCV001990187.23), dbSNP rs752876434, ClinGen allele CA325534422.

ClinVar aggregate classification (germline): Uncertain significance. Review status: criteria provided, multiple submitters, no conflicts (2 of 4 stars). 2 submissions from 2 submitters: Uncertain significance (2). Last evaluated 2024-04-01.

Allele frequency attached by ClinVar (database versions not stated): TOPMed 0.00001; gnomAD exomes 0.00002.
gnomAD v4.1: 31 of 1,607,680 alleles (0.0019%); highest among the groups gnomAD compares: Middle Eastern, 0.017%; no homozygotes.

Submissions (2):

CeGaT Center for Human Genetics Tuebingen
Classification: Uncertain significance. Last evaluated: 2024-04-01. Review status: criteria provided, single submitter. Criteria: CeGaT Center For Human Genetics Tuebingen Variant Classification Criteria Version 2. Collection method: clinical testing. Allele origin: germline. Affected: yes. Observed: 1 variant allele.
Comment: SBF1: PM2

Labcorp Genetics (formerly Invitae), Labcorp
Classification: Uncertain significance. Last evaluated: 2022-02-19. Review status: criteria provided, single submitter. Criteria: Invitae Variant Classification Sherloc (09022015). Collection method: clinical testing. Allele origin: germline.
Comment: In summary, the available evidence is currently insufficient to determine the role of this variant in disease. Therefore, it has been classified as a Variant of Uncertain Significance. Algorithms developed to predict the effect of missense changes on protein structure and function are either unavailable or do not agree on the potential impact of this missense change (SIFT: "Tolerated"; PolyPhen-2: "Probably Damaging"; Align-GVGD: "Class C0"). This variant has not been reported in the literature in individuals affected with SBF1-related conditions. This variant is present in population databases (rs752876434, gnomAD 0.003%). This sequence change replaces proline, which is neutral and non-polar, with leucine, which is neutral and non-polar, at codon 480 of the SBF1 protein (p.Pro480Leu).